The following is an entry in ClinVar:

Conditions:
Breast-ovarian cancer, familial, susceptibility to, 1 (BROVCA1). Also called: BRCA1 Hereditary Breast and Ovarian Cancer; OVARIAN CANCER, SUSCEPTIBILITY TO. Identifiers: Orphanet 145, MedGen C2676676, MONDO:0011450, OMIM 604370. Disease mechanism: loss of function.

Submission:

Brotman Baty Institute, University of Washington
No classification provided (evidence only). Condition: Breast-ovarian cancer, familial 1. Review status: no classification provided. Collection method: in vitro. Allele origin: not applicable. Functional consequence: functionally_normal.
ClinVar note: "not provided" was previously submitted as the classification for the variant. However, the classification appeared to be based only on an observation of functional data so it was converted to no classification on 2025-07-30.

NM_007294.4(BRCA1):c.-19-1G>T

Gene: BRCA1 (BRCA1 DNA repair associated; minus strand). Cytogenetic location: 17q21.31.
Variant type: single nucleotide variant.
Coding change: c.-19-1G>T on transcript NM_007294.4 (MANE Select); the canonical splice acceptor site of the intron before 19 bases upstream of the start codon, G replaced by T.
Molecular consequence: splice acceptor variant. On other transcripts: intron variant (66), 5 prime UTR variant (10).
Genome position (GRCh38, 1-based): chr17:43,124,116, C>A on the plus strand (G>T on the coding strand, the complement: BRCA1 is on the minus strand). VCF-style: chr17-43124116-C-A. GRCh37 (hg19) VCF-style: chr17-41276133-C-A.
Other names: c.-19-1G>T (NM_001407679.1, NM_001407938.1, NM_001407667.1 and 159 more transcripts); c.-323-1G>T (NM_001408492.1, NM_001407889.1); c.-276-1G>T (NM_001408468.1, NM_001407842.1, NM_001407749.1 and 11 more transcripts); c.-8+1155G>T (NM_001408511.1, NM_001408457.1, NM_001407692.1); c.-224+1155G>T (NM_001407960.1); c.-62+1155G>T (NM_001408505.1, NM_001407964.1, NM_001407844.1 and 6 more transcripts); c.-194-14G>T (NM_001407899.1, NM_001407886.1, NM_001408507.1 and 1 more transcripts); c.-279-1G>T (NM_001407734.1, NM_001407730.1, NM_001408503.1 and 22 more transcripts); and 28 more.
Identifiers: ClinVar variation 867644 (VCV000867644.2), dbSNP rs569074958, ClinGen allele CA916081176.